The following is an entry in ClinVar:

NM_001033855.3(DCLRE1C):c.2029G>A (p.Gly677Ser)

Gene: DCLRE1C (DNA cross-link repair 1C; minus strand). Cytogenetic location: 10p13.
Variant type: single nucleotide variant.
Coding change: c.2029G>A on transcript NM_001033855.3 (MANE Select); coding-DNA position 2029, G replaced by A.
Protein change: p.Gly677Ser; replaces glycine 677 with serine.
Molecular consequence: missense variant. On other transcripts: non-coding transcript variant (3), intron variant (3).
Genome position (GRCh38, 1-based): chr10:14,908,458, C>T on the plus strand (G>A on the coding strand, the complement: DCLRE1C is on the minus strand). VCF-style: chr10-14908458-C-T. GRCh37 (hg19) VCF-style: chr10-14950457-C-T.
Other names: c.1669G>A, p.Gly557Ser (NM_001033857.3, NM_001033858.3, NM_001289077.2 and 1 more transcripts); c.1684G>A, p.Gly562Ser (NM_001289076.2, NM_001289078.2, NM_022487.4); c.1437+247G>A (NM_001350966.2); c.1782+247G>A (NM_001350965.2); c.1422+247G>A (NM_001350967.2); short protein forms G677S, G557S, G562S.
Identifiers: ClinVar variation 581143 (VCV000581143.5), dbSNP rs754829084, ClinGen allele CA5416348.

ClinVar aggregate classification (germline): Uncertain significance. Review status: criteria provided, multiple submitters, no conflicts (2 of 4 stars). 3 submissions from 3 submitters: Uncertain significance (2). 1 of the submissions does not count toward it. Last evaluated 2024-10-06.

Conditions:
Athabaskan severe combined immunodeficiency (SCIDA). Also called: Severe combined immunodeficiency, athabascan-type. Identifiers: MedGen C1865370.
Severe combined immunodeficiency due to DCLRE1C deficiency (RS-SCID). Also called: SCID, AUTOSOMAL RECESSIVE, T CELL-NEGATIVE, B CELL-NEGATIVE, NK CELL-POSITIVE, WITH SENSITIVITY TO IONIZING RADIATION. Identifiers: Orphanet 275, MedGen C1865371, MONDO:0011225, OMIM 602450.

Allele frequency attached by ClinVar (database versions not stated): gnomAD 0.00002; gnomAD exomes below 0.00001 and 0.00001; ExAC 0.00001; TOPMed 0.00001.
gnomAD v4.1: 21 of 1,613,774 alleles (0.0013%); highest among the groups gnomAD compares: Non-Finnish European, 0.0018%; no homozygotes.

Submissions (3):

Blueprint Genetics
Classification: Uncertain significance. Last evaluated: 2024-10-06. Review status: criteria provided, single submitter. Criteria: ACMG Guidelines, 2015. Collection method: clinical testing. Allele origin: germline.

Labcorp Genetics (formerly Invitae), Labcorp
Classification: Uncertain significance for Athabaskan severe combined immunodeficiency. Last evaluated: 2022-07-26. Review status: criteria provided, single submitter. Criteria: Invitae Variant Classification Sherloc (09022015). Collection method: clinical testing. Allele origin: germline.
Comment: This sequence change replaces glycine, which is neutral and non-polar, with serine, which is neutral and polar, at codon 677 of the DCLRE1C protein (p.Gly677Ser). This variant is present in population databases (rs754829084, gnomAD 0.002%). This variant has not been reported in the literature in individuals affected with DCLRE1C-related conditions. ClinVar contains an entry for this variant (Variation ID: 581143). Algorithms developed to predict the effect of missense changes on protein structure and function are either unavailable or do not agree on the potential impact of this missense change (SIFT: "Tolerated"; PolyPhen-2: "Probably Damaging"; Align-GVGD: "Class C0"). In summary, the available evidence is currently insufficient to determine the role of this variant in disease. Therefore, it has been classified as a Variant of Uncertain Significance.

Natera, Inc.
Classification: Uncertain significance for Athabascan severe combined immunodeficiency. Last evaluated: 2021-08-24. Review status: no assertion criteria provided. Collection method: clinical testing. Allele origin: germline. Not counted in ClinVar's aggregate classification.